The following is an entry in ClinVar:

NM_000489.6(ATRX):c.4905G>T (p.Met1635Ile)

Gene: ATRX (ATRX chromatin remodeler; minus strand). Cytogenetic location: Xq21.1.
Variant type: single nucleotide variant.
Coding change: c.4905G>T on transcript NM_000489.6 (MANE Select); coding-DNA position 4905, G replaced by T.
Protein change: p.Met1635Ile; replaces methionine 1635 with isoleucine.
Molecular consequence: missense variant.
Genome position (GRCh38, 1-based): chrX:77,633,617, C>A on the plus strand (G>T on the coding strand, the complement: ATRX is on the minus strand). VCF-style: chrX-77633617-C-A. GRCh37 (hg19) VCF-style: chrX-76889105-C-A.
Other names: c.4791G>T, p.Met1597Ile (NM_138270.5); short protein forms M1635I, M1597I.
Identifiers: ClinVar variation 387933 (VCV000387933.12), dbSNP rs1045875195, ClinGen allele CA16608591.

ClinVar aggregate classification (germline): Conflicting classifications of pathogenicity. Review status: criteria provided, conflicting classifications (1 of 4 stars). 3 submissions from 3 submitters: Uncertain significance (1); Benign (1); Likely benign (1). Last evaluated 2026-01-05.

Conditions:
Alpha thalassemia-X-linked intellectual disability syndrome (ATRX). Also called: ALPHA-THALASSEMIA/MENTAL RETARDATION SYNDROME, X-LINKED; X-linked alpha-thalassemia-mental retardation syndrome; ATR-X syndrome; Alpha thalassemia mental retardation syndrome, nondeletion type, X-linked; XLMR hypotonic face syndrome; ATR, NONDELETION TYPE. Identifiers: Orphanet 847, MedGen C1845055, MONDO:0010519, OMIM 301040.
Inborn genetic diseases. Identifiers: MedGen C0950123, MeSH D030342.

Allele frequency attached by ClinVar (database versions not stated): gnomAD exomes 0.00004; TOPMed 0.00001; gnomAD 0.00001.

Submissions (3):

Labcorp Genetics (formerly Invitae), Labcorp
Classification: Benign for Alpha thalassemia-X-linked intellectual disability syndrome. Last evaluated: 2026-01-05. Review status: criteria provided, single submitter. Criteria: Invitae Variant Classification Sherloc (09022015). Collection method: clinical testing. Allele origin: germline.

Ambry Genetics
Classification: Likely benign for Inborn genetic diseases. Last evaluated: 2022-11-09. Review status: criteria provided, single submitter. Criteria: Ambry Variant Classification Scheme 2023. Collection method: clinical testing. Allele origin: germline.

GeneDx
Classification: Uncertain significance. Last evaluated: 2016-07-28. Review status: criteria provided, single submitter. Criteria: GeneDx Variant Classification (06012015). Collection method: clinical testing. Allele origin: germline. Affected: yes.
Comment: The M1635I variant in the ATRX gene has not been reported previously as a pathogenic variant, nor as a benign variant, to our knowledge. The M1635I variant was not observed in approximately 6,500 individuals of European and African American ancestry in the NHLBI Exome Sequencing Project, indicating it is not a common benign variant in these populations. The M1635I variant is a conservative amino acid substitution, which occurs at a position within the Helicase ATP-binding domain where amino acids with similar properties to Methionine are tolerated across species. In silico analysis is inconsistent in its predictions as to whether or not the variant is damaging to the protein structure/function. We interpret M1635I as a variant of uncertain significance.